The following is an entry in ClinVar:

ClinVar aggregate classification (germline): Pathogenic (1 of 4 stars; one submission).

Submission:

Labcorp Genetics (formerly Invitae), Labcorp
Classification: Pathogenic. Last evaluated: 2021-05-05. Review status: criteria provided, single submitter. Criteria: Invitae Variant Classification Sherloc (09022015). Collection method: clinical testing. Allele origin: germline.
Comment: This variant results in a copy number gain of the genomic region encompassing exon(s) 9-14 of the SLC12A3 gene. While the exact position of this variant cannot be determined from the data, sub-genic copy number gains are generally in tandem (PMID: 25640679). This variant is predicted to be out-of-frame, and may result in an absent or disrupted protein product. Loss-of-function variants in SLC12A3 are known to be pathogenic (PMID: 20848653, 22009145, 25841442). This variant has been observed in individual(s) with Gitelman syndrome (PMID: 30945685). In at least one individual the data is consistent with the variant being in trans (on the opposite chromosome) from a pathogenic variant. For these reasons, this variant has been classified as Pathogenic.

Literature cited by the submitters: PubMed 25640679; PubMed 20848653; PubMed 22009145; PubMed 25841442; PubMed 30945685.

NC_000016.9:g.(?_56911979)_(56918126_?)dup

Gene: SLC12A3 (solute carrier family 12 member 3; plus strand). Cytogenetic location: 16q13.
Variant type: Duplication.
Identifiers: ClinVar variation 1452356 (VCV001452356.6).